The following is an entry in ClinVar:

NM_006941.4(SOX10):c.514A>T (p.Lys172Ter)

Genes: POLR2F (RNA polymerase II, I and III subunit F; plus strand), SOX10 (SRY-box transcription factor 10; minus strand). Cytogenetic location: 22q13.1.
Variant type: single nucleotide variant.
Coding change: c.514A>T on transcript NM_006941.4 (MANE Select); coding-DNA position 514, A replaced by T.
Protein change: p.Lys172Ter; replaces lysine 172 with a stop codon.
Molecular consequence: nonsense. On other transcripts: intron variant (3).
Genome position (GRCh38, 1-based): chr22:37,978,050, T>A on the plus strand (A>T on the coding strand, the complement: SOX10 is on the minus strand). VCF-style: chr22-37978050-T-A. GRCh37 (hg19) VCF-style: chr22-38374057-T-A.
Other names: c.*38+5740T>A (NM_001363825.1); c.294-8104T>A (NM_001301130.2); c.293+10880T>A (NM_001301131.2); short protein forms K172*.
Identifiers: ClinVar variation 620509 (VCV000620509.3), dbSNP rs1569169273, ClinGen allele CA411497839.
Genomic context (GRCh38, chr22:37,978,050, plus strand): 5'-CGGGGCACTCCGCCTCGCCCTGGGCGGCCTTCCCGTTCTTCCGCCGCCTGGGCTGGTACT[T>A]GTAGTCCGGGTGGTCTTTCTTGTGCTGCATACGGAGCCGCTCAGCCTCCTCGATGAAGGG-3'

ClinVar aggregate classification (germline): Pathogenic (1 of 4 stars; one submission).

Submission:

GeneDx
Classification: Pathogenic. Last evaluated: 2019-01-07. Review status: criteria provided, single submitter. Criteria: GeneDx Variant Classification (06012015). Collection method: clinical testing. Allele origin: germline. Affected: yes.
Comment: The K172X nonsense variant in the SOX10 gene is predicted to cause loss of normal protein function either through protein truncation or nonsense-mediated mRNA decay. This variant is not observed in large population databases (Lek et al., 2016). The K172X variant has not been published as a pathogenic variant, nor has it been reported as a benign variant to our knowledge. In summary, we interpret this variant as pathogenic.